The following is an entry in ClinVar:

ClinVar aggregate classification (germline): Conflicting classifications of pathogenicity. Review status: criteria provided, conflicting classifications (1 of 4 stars). 2 submissions from 2 submitters: Uncertain significance (1); Likely benign (1). Last evaluated 2025-09-09.

Conditions:
Erythrocytosis, familial, 3 (ECYT3). Identifiers: Orphanet 247511, MedGen C1853286, MONDO:0012353, OMIM 609820.

Allele frequency attached by ClinVar (database versions not stated): gnomAD 0.00001; gnomAD exomes 0.00001 and 0.00002; ExAC 0.00002.
gnomAD v4.1: 10 of 1,613,722 alleles (0.00062%); highest among the groups gnomAD compares: East Asian, 0.0067%; no homozygotes.

Submissions (2):

Labcorp Genetics (formerly Invitae), Labcorp
Classification: Uncertain significance for Erythrocytosis, familial, 3. Last evaluated: 2025-09-09. Review status: criteria provided, single submitter. Criteria: Invitae Variant Classification Sherloc (09022015). Collection method: clinical testing. Allele origin: germline.
Comment: This sequence change replaces glycine, which is neutral and non-polar, with serine, which is neutral and polar, at codon 422 of the EGLN1 protein (p.Gly422Ser). This variant is present in population databases (rs753505082, gnomAD 0.03%). This variant has not been reported in the literature in individuals affected with EGLN1-related conditions. ClinVar contains an entry for this variant (Variation ID: 1372261). An algorithm developed to predict the effect of missense changes on protein structure and function outputs the following: PolyPhen-2: "Benign". The serine amino acid residue is found in multiple mammalian species, which suggests that this missense change does not adversely affect protein function. Algorithms developed to predict the effect of sequence changes on RNA splicing suggest that this variant may create or strengthen a splice site. In summary, the available evidence is currently insufficient to determine the role of this variant in disease. Therefore, it has been classified as a Variant of Uncertain Significance.

Ambry Genetics
Classification: Likely benign. Last evaluated: 2023-02-27. Review status: criteria provided, single submitter. Criteria: Ambry Variant Classification Scheme 2023. Collection method: clinical testing. Allele origin: germline.

NM_022051.3(EGLN1):c.1264G>A (p.Gly422Ser)

Gene: EGLN1 (egl-9 family hypoxia inducible factor 1; minus strand). Cytogenetic location: 1q42.2.
Variant type: single nucleotide variant.
Coding change: c.1264G>A on transcript NM_022051.3 (MANE Select); coding-DNA position 1264, G replaced by A.
Protein change: p.Gly422Ser; replaces glycine 422 with serine.
Molecular consequence: missense variant. On other transcripts: 3 prime UTR variant (2).
Genome position (GRCh38, 1-based): chr1:231,366,428, C>T on the plus strand (G>A on the coding strand, the complement: EGLN1 is on the minus strand). VCF-style: chr1-231366428-C-T. GRCh37 (hg19) VCF-style: chr1-231502174-C-T.
Other names: c.*44G>A (NM_001377260.1); c.*89G>A (NM_001377261.1); c.1264G>A (NM_022051.2); short protein forms G422S.
Identifiers: ClinVar variation 1372261 (VCV001372261.9), dbSNP rs753505082, ClinGen allele CA1452956.